The following is an entry in ClinVar:

ClinVar aggregate classification (germline): Uncertain significance (1 of 4 stars; one submission).

Submission:

Labcorp Genetics (formerly Invitae), Labcorp
Classification: Uncertain significance. Last evaluated: 2022-07-07. Review status: criteria provided, single submitter. Criteria: Invitae Variant Classification Sherloc (09022015). Collection method: clinical testing. Allele origin: germline.
Comment: In summary, the available evidence is currently insufficient to determine the role of this variant in disease. Therefore, it has been classified as a Variant of Uncertain Significance. Algorithms developed to predict the effect of missense changes on protein structure and function are either unavailable or do not agree on the potential impact of this missense change (SIFT: "Deleterious"; PolyPhen-2: "Probably Damaging"; Align-GVGD: "Class C0"). This variant has not been reported in the literature in individuals affected with LONP1-related conditions. This variant is not present in population databases (gnomAD no frequency). This sequence change replaces proline, which is neutral and non-polar, with arginine, which is basic and polar, at codon 850 of the LONP1 protein (p.Pro850Arg).

NM_004793.4(LONP1):c.2549C>G (p.Pro850Arg)

Gene: LONP1 (lon peptidase 1, mitochondrial; minus strand). Cytogenetic location: 19p13.3.
Variant type: single nucleotide variant.
Coding change: c.2549C>G on transcript NM_004793.4 (MANE Select); coding-DNA position 2549, C replaced by G.
Protein change: p.Pro850Arg; replaces proline 850 with arginine.
Molecular consequence: missense variant. On other transcripts: non-coding transcript variant (1).
Genome position (GRCh38, 1-based): chr19:5,693,452, G>C on the plus strand (C>G on the coding strand, the complement: LONP1 is on the minus strand). VCF-style: chr19-5693452-G-C. GRCh37 (hg19) VCF-style: chr19-5693463-G-C.
Other names: c.2357C>G, p.Pro786Arg (NM_001276479.2); c.1961C>G, p.Pro654Arg (NM_001276480.1); short protein forms P654R, P786R, P850R.
Identifiers: ClinVar variation 1977595 (VCV001977595.5), dbSNP rs2512382872, ClinGen allele CA403525911.